The following is an entry in ClinVar:

NM_000088.4(COL1A1):c.471+335T>C

Gene: COL1A1 (collagen type I alpha 1 chain; minus strand). Cytogenetic location: 17q21.33.
Variant type: single nucleotide variant.
Coding change: c.471+335T>C on transcript NM_000088.4 (MANE Select); 335 bases into the intron after coding-DNA position 471, T replaced by C.
Molecular consequence: intron variant.
Genome position (GRCh38, 1-based): chr17:50,198,891, A>G on the plus strand (T>C on the coding strand, the complement: COL1A1 is on the minus strand). VCF-style: chr17-50198891-A-G. GRCh37 (hg19) VCF-style: chr17-48276252-A-G.
Identifiers: ClinVar variation 683343 (VCV000683343.1), dbSNP rs2586498, ClinGen allele CA14450307.
Genomic context (GRCh38, chr17:50,198,891, plus strand): 5'-ATTGGGGTGGTGGGGGGTGGAATCTATAAAGGACATTATCGGGACATCGGTGAACTTTGA[A>G]TACGGACTGCACATTAGAGAGTGAATTTAATCATTGTGTAGGTCAGTTAAGAGAATGCTC-3'

ClinVar aggregate classification (germline): Benign (1 of 4 stars; one submission).

Allele frequency attached by ClinVar (database versions not stated): TOPMed 0.71257; gnomAD 0.71615 and 0.72781; 1000 Genomes Project 30x 0.75750; 1000 Genomes Project 0.76717.

Submission:

GeneDx
Classification: Benign. Last evaluated: 2018-06-18. Review status: criteria provided, single submitter. Criteria: GeneDx Variant Classification (06012015). Collection method: clinical testing. Allele origin: germline. Affected: yes.
Comment: This variant is considered likely benign or benign based on one or more of the following criteria: it is a conservative change, it occurs at a poorly conserved position in the protein, it is predicted to be benign by multiple in silico algorithms, and/or has population frequency not consistent with disease.